The following is an entry in ClinVar:

NM_021939.4(FKBP10):c.831dup (p.Gly278fs)

Gene: FKBP10 (FKBP prolyl isomerase 10; plus strand). Cytogenetic location: 17q21.2.
Variant type: Duplication.
Coding change: c.831dup on transcript NM_021939.4 (MANE Select); coding-DNA position 831, one base duplicated (C; older notation c.831dupC).
Protein change: p.Gly278fs; shifts the reading frame from glycine 278.
Molecular consequence: frameshift variant.
Genome position (GRCh38, 1-based): chr17:41,819,313, C duplicated; the last of 7 consecutive C bases (chr17:41,819,307-41,819,313); duplicating any one gives the same sequence. VCF-style (leftmost placement, unchanged base first): chr17-41819306-T-TC. GRCh37 (hg19) VCF-style: chr17-39975558-T-TC.
Other names: c.831dupC (NM_021939.4, NM_021939.3); short protein forms G278fs.
Identifiers: ClinVar variation 438659 (VCV000438659.67), dbSNP rs137853883, ClinGen allele CA8566372.

ClinVar aggregate classification (germline): Pathogenic. Review status: criteria provided, multiple submitters, no conflicts (2 of 4 stars). 22 submissions from 21 submitters: Pathogenic (17). 5 of the submissions do not count toward it. Last evaluated 2025-12-29.

Conditions:
Bruck syndrome 1 (BRKS1). Also called: ARTHROGRYPOSIS-LIKE DISORDER. Identifiers: Orphanet 1149, Orphanet 2771, MedGen C1850168, MONDO:0009806, OMIM 259450.
Osteogenesis imperfecta type 11. Also called: OI, TYPE XI; Osteogenesis imperfecta, type XI. Identifiers: Orphanet 666, MedGen C3151218, MONDO:0012592, OMIM 610968.
Osteogenesis imperfecta type 12 (OI12). Also called: OI, TYPE XII; Osteogenesis imperfecta, type XII. Identifiers: Orphanet 666, MedGen C3151433, MONDO:0013460, OMIM 613849.
Osteogenesis imperfecta (OI). Identifiers: Orphanet 666, MedGen C0029434, MeSH D010013, MONDO:0019019.
FKBP10-related disorders.
Abnormality of the skeletal system. Identifiers: MedGen C4021790, HP:0000924.

Submissions (22):

Labcorp Genetics (formerly Invitae), Labcorp
Classification: Pathogenic. Last evaluated: 2025-12-29. Review status: criteria provided, single submitter. Criteria: Invitae Variant Classification Sherloc (09022015). Collection method: clinical testing. Allele origin: germline.
Comment: This sequence change creates a premature translational stop signal (p.Gly278Argfs*95) in the FKBP10 gene. It is expected to result in an absent or disrupted protein product. Loss-of-function variants in FKBP10 are known to be pathogenic (PMID: 22689593, 22949511). This variant is present in population databases (rs781896189, gnomAD 0.04%). This premature translational stop signal has been observed in individuals with autosomal recessive osteogenesis imperfecta (PMID: 20362275, 26538303, 27509835, 27717089, 27762305). ClinVar contains an entry for this variant (Variation ID: 438659). For these reasons, this variant has been classified as Pathogenic.

3billion
Classification: Pathogenic for Osteogenesis imperfecta type 11. Last evaluated: 2025-10-14. Review status: criteria provided, single submitter. Criteria: ACMG Guidelines, 2015. Collection method: clinical testing. Allele origin: germline. Affected: yes.
Comment: The variant is observed at an extremely low frequency in the gnomAD v4.1.0 dataset (total allele frequency: 0.010%). Predicted Consequence/Location: Frameshift: predicted to result in a loss or disruption of normal protein function through nonsense-mediated decay (NMD) or protein truncation. Multiple pathogenic variants are reported downstream of the variant. The variant has been reported at least twice as pathogenic with clinical assertions and evidence for the classification (ClinVar ID: VCV000438659 /PMID: 20362275 /3billion dataset). Therefore, this variant is classified as Pathogenic according to the recommendation of ACMG/AMP guideline.

GeneDx
Classification: Pathogenic. Last evaluated: 2025-03-02. Review status: criteria provided, single submitter. Criteria: GeneDx Variant Classification Process June 2021. Collection method: clinical testing. Allele origin: germline. Affected: yes.
Comment: Frameshift variant predicted to result in protein truncation or nonsense mediated decay in a gene for which loss of function is a known mechanism of disease; This variant is associated with the following publications: (PMID: 20362275, 31001443, 27509835, 29499418, 28492130, 31429852, 31589614, 37644014, 38178268, 36703223, 37270749, 36655627, 34902613, 32123938, 30755392, 20839288, 29635034, 34173012, 25931047, 26538303, 30993005, 28378777, 28116328, 29158687, 27146342, 23443412, 21670757, 21567934, 22107750, 29620724, 27762305, 27717089, 28346524, 28177155, 22718341, 34743040, 38374194)

Blueprint Genetics
Classification: Pathogenic for FKBP10-related disorders. Last evaluated: 2024-10-08. Review status: criteria provided, single submitter. Criteria: ACMG Guidelines, 2015. Collection method: clinical testing. Allele origin: germline. Affected: yes. Observed: 5 variant alleles.

Dubai Health Genomic Medicine Center, Dubai Health
Classification: Pathogenic for Osteogenesis imperfecta. Last evaluated: 2024-10-04. Review status: criteria provided, single submitter. Criteria: ACMG Guidelines, 2015. Collection method: research. Allele origin: germline. Affected: yes.
Comment: PVS1, PM3_VeryStrong, PM2

Dr.Nikuei Genetic Center
Classification: Pathogenic for Osteogenesis imperfecta type 11. Last evaluated: 2024-07-10. Review status: criteria provided, single submitter. Criteria: ACMG Guidelines, 2015. Collection method: clinical testing. Allele origin: germline. Affected: yes.

Fulgent Genetics
Classification: Pathogenic for Bruck syndrome 1; Osteogenesis imperfecta type 11. Last evaluated: 2024-04-15. Review status: criteria provided, single submitter. Criteria: ACMG Guidelines, 2015. Collection method: clinical testing. Allele origin: germline.

Department of Pathology and Laboratory Medicine, Sinai Health System
Classification: Pathogenic for osteogenesis imperfecta type 11. Last evaluated: 2023-03-13. Review status: criteria provided, single submitter. Criteria: ACMG Guidelines, 2015. Collection method: research. Allele origin: germline.

Revvity Omics, Revvity
Classification: Pathogenic. Last evaluated: 2022-01-10. Review status: criteria provided, single submitter. Criteria: ACMG Guidelines, 2015. Collection method: clinical testing. Allele origin: germline.

Kariminejad - Najmabadi Pathology & Genetics Center
Classification: Pathogenic for Abnormality of the skeletal system. Last evaluated: 2021-07-10. Review status: criteria provided, single submitter. Criteria: ACMG Guidelines, 2015. Collection method: clinical testing. Allele origin: germline. Affected: yes.

Illumina Laboratory Services, Illumina
Classification: Pathogenic for Osteogenesis imperfecta type 11. Last evaluated: 2021-04-23. Review status: criteria provided, single submitter. Criteria: ICSLVariantClassificationCriteria RUGD 01 April 2020. Collection method: clinical testing. Allele origin: unknown.
Comment: The FKBP10 c.831dupC (p.Gly278ArgfsTer95) variant results in a frameshift and is predicted to result in premature termination or absence of the protein. In a selection of the literature, the p.Gly278ArgfsTer95 variant has been reported in a homozygous state in at least five affected individuals from three unrelated families (Alanay et al. 2010; Shaheen et al. 2011; Kelly et al. 2011), in a compound heterozygous state with another frameshift variant in two affected individuals from one family (Schwarze et al. 2011), and in a compound heterozygous state with a missense variant in two unrelated individuals (Vorster et al. 2017). The affected individuals presented with osteogenesis imperfecta with or without a range of additional phenotypes. In addition, in one study of 91 individuals with non-syndromic osteogenesis imperfecta type 3, the p.Gly278ArgfsTer95 variant was found in a homozygous state in 35/91 (38%) affected individuals who shared the same haplotype (Vorster et al. 2017). In studies on mRNA isolated from patient cells, the p.Gly278ArgfsTer95 was shown to affect mRNA stability resulting in no measurable stable mRNA and absence of protein on Western blotting (Schwarze et al. 2013). The p.Gly278ArgfsTer95 variant was absent from at least 210 ethnically matched control alleles and is found at a frequency of 0.000445 in the African American population of the Genome Aggregation Database. Based on the collective evidence and application of the ACMG criteria, the c.831dupC (p.Gly278ArgfsTer95) variant is classified as pathogenic for osteogenesis imperfecta with or without joint contractures.

Mendelics
Classification: Pathogenic for Osteogenesis imperfecta type 11. Last evaluated: 2019-05-28. Review status: criteria provided, single submitter. Criteria: Mendelics Assertion Criteria 2017. Collection method: clinical testing. Allele origin: unknown.

Center for Personalized Medicine, Children's Hospital Los Angeles
Classification: Pathogenic. Last evaluated: 2018-11-19. Review status: criteria provided, single submitter. Criteria: ACMG Guidelines, 2015. Collection method: clinical testing. Allele origin: germline. Affected: yes.

Center for Pediatric Genomic Medicine, Children's Mercy Hospital and Clinics
Classification: Pathogenic. Last evaluated: 2017-03-31. Review status: criteria provided, single submitter. Criteria: ACMG Guidelines, 2015. Collection method: clinical testing. Allele origin: germline.

Clinical Biomedical Laboratory, Shriners Hospital For Children - Canada
Classification: Pathogenic for Osteogenesis imperfecta type 11. Review status: criteria provided, single submitter. Criteria: ACMG Guidelines, 2015. Collection method: clinical testing. Allele origin: germline. Affected: yes.
Comment: This variant is predicted to introduce a frameshift resulting in a premature stop codon 95 amino acids downstream. In the gnomAD database, the allele frequency for this variant is 0.008%. The affected nucleotide is conserved (PhyloP = 7.69). Based on the ACMG variant interpretation guidelines, the available evidence supports classification of this variant as pathogenic.

Juno Genomics, Hangzhou Juno Genomics, Inc
Classification: Pathogenic for Osteogenesis imperfecta type 11. Review status: criteria provided, single submitter. Criteria: ACMG Guidelines, 2015. Collection method: clinical testing. Allele origin: germline. Affected: yes.
Comment: Absent from controls (or at extremely low frequency if recessive) in Genome Aggregation Database, Exome Sequencing Project, 1000 Genomes Project, or Exome Aggregation Consortium.;Null variant in a gene where loss of function (LOF) is a known mechanism of disease.;For recessive disorders, detected in trans with a pathogenic variant.;Co-segregation with disease in multiple affected family members in a gene definitively known to cause the disease.;Patient's phenotype or family history is highly specific for a disease with a single genetic etiology.

Suma Genomics
Classification: Pathogenic for Osteogenesis imperfecta type 11. Review status: criteria provided, single submitter. Criteria: ACMG Guidelines, 2015. Collection method: clinical testing. Allele origin: inherited. Inheritance: Autosomal recessive inheritance. Affected: yes.

Clinical Laboratory Sciences Program (CLSP), King Saud bin Abdulaziz University for Health Sciences (KSAU-HS)
Classification: Pathogenic for Osteogenesis imperfecta type 11. Last evaluated: 2023-04-01. Review status: no assertion criteria provided. Collection method: clinical testing. Allele origin: germline. Affected: yes. Not counted in ClinVar's aggregate classification.

Bioscientia Institut fuer Medizinische Diagnostik GmbH, Sonic Healthcare
Classification: Pathogenic for Osteogenesis imperfecta type 11. Last evaluated: 2017-04-20. Review status: no assertion criteria provided. Collection method: clinical testing. Allele origin: germline. Affected: yes. Not counted in ClinVar's aggregate classification.

OMIM
Classification: Pathogenic for OSTEOGENESIS IMPERFECTA, TYPE XI. Last evaluated: 2011-06-01. Review status: no assertion criteria provided. Collection method: literature only. Allele origin: germline. Not counted in ClinVar's aggregate classification.

OMIM
Classification: Pathogenic for BRUCK SYNDROME 1. Last evaluated: 2011-06-01. Review status: no assertion criteria provided. Collection method: literature only. Allele origin: germline. Not counted in ClinVar's aggregate classification.

Genomic Medicine Center of Excellence, King Faisal Specialist Hospital and Research Centre
Classification: Uncertain significance for Osteogenesis imperfecta type 11. Last evaluated: 2024-03-29. Review status: flagged submission. Criteria: ACMG Guidelines, 2015. Collection method: clinical testing. Allele origin: germline. Not counted in ClinVar's aggregate classification.
ClinVar note: Reason: Outlier claim with insufficient supporting evidence

Literature cited by the submitters: PubMed 22689593 (cited by Labcorp Genetics (formerly Invitae), Labcorp); PubMed 22949511 (cited by Labcorp Genetics (formerly Invitae), Labcorp); PubMed 20362275 (cited by 3 submitters); PubMed 26538303 (cited by Labcorp Genetics (formerly Invitae), Labcorp); PubMed 27509835 (cited by Labcorp Genetics (formerly Invitae), Labcorp); PubMed 27717089 (cited by Labcorp Genetics (formerly Invitae), Labcorp); PubMed 27762305 (cited by Labcorp Genetics (formerly Invitae), Labcorp); PubMed 20839288 (cited by OMIM); PubMed 21567934 (cited by OMIM).